The following is an entry in ClinVar:

ClinVar aggregate classification (germline): Likely benign (1 of 4 stars; one submission).

gnomAD v4.1: 29 of 1,606,724 alleles (0.0018%); highest among the groups gnomAD compares: African/African-American, 0.031%; no homozygotes.

Submission:

CeGaT Center for Human Genetics Tuebingen
Classification: Likely benign. Last evaluated: 2026-07-01. Review status: criteria provided, single submitter. Criteria: CeGaT Center For Human Genetics Tuebingen Variant Classification Criteria Version 2. Collection method: clinical testing. Allele origin: germline. Affected: yes. Observed: 1 variant allele.
Comment: PTPA: BP4

NM_178000.3(PTPA):c.129+6A>G

Gene: PTPA (protein phosphatase 2 phosphatase activator; plus strand). Cytogenetic location: 9q34.11.
Variant type: single nucleotide variant.
Coding change: c.129+6A>G on transcript NM_178000.3 (MANE Select); 6 bases into the intron after coding-DNA position 129, A replaced by G.
Molecular consequence: intron variant.
Genome position (GRCh38, 1-based): chr9:129,120,616, A>G. VCF-style: chr9-129120616-A-G. GRCh37 (hg19) VCF-style: chr9-131882895-A-G.
Other names: c.129+6A>G (NM_021131.5, NM_178001.3, NM_178003.3 and 1 more transcripts); c.24+6A>G (NM_001193397.2).
Identifiers: ClinVar variation 5038973 (VCV005038973.1).